The following is an entry in ClinVar:

ClinVar aggregate classification (germline): Likely benign (1 of 4 stars; one submission).

gnomAD v4.1: 1 of 1,405,148 alleles (0.000071%); no homozygotes.

Submission:

GeneDx
Classification: Likely benign. Last evaluated: 2017-04-20. Review status: criteria provided, single submitter. Criteria: GeneDx Variant Classification (06012015). Collection method: clinical testing. Allele origin: germline. Affected: yes.
Comment: This variant is considered likely benign or benign based on one or more of the following criteria: it is a conservative change, it occurs at a poorly conserved position in the protein, it is predicted to be benign by multiple in silico algorithms, and/or has population frequency not consistent with disease.

NM_033337.3(CAV3):c.-29C>T

Gene: CAV3 (caveolin 3; plus strand). Cytogenetic location: 3p25.3.
Variant type: single nucleotide variant.
Coding change: c.-29C>T on transcript NM_033337.3 (MANE Select); 29 bases upstream of the start codon, C replaced by T.
Molecular consequence: 5 prime UTR variant.
Genome position (GRCh38, 1-based): chr3:8,733,848, C>T. VCF-style: chr3-8733848-C-T. GRCh37 (hg19) VCF-style: chr3-8775534-C-T.
Other names: c.-29C>T (NM_001234.5).
Identifiers: ClinVar variation 506663 (VCV000506663.1), dbSNP rs1203043550, ClinGen allele CA658796221.